The following is an entry in ClinVar:

NM_001204.7(BMPR2):c.842A>C (p.Tyr281Ser)

Gene: BMPR2 (bone morphogenetic protein receptor type 2; plus strand). Cytogenetic location: 2q33.2.
Variant type: single nucleotide variant.
Coding change: c.842A>C on transcript NM_001204.7 (MANE Select); coding-DNA position 842, A replaced by C.
Protein change: p.Tyr281Ser; replaces tyrosine 281 with serine.
Molecular consequence: missense variant.
Genome position (GRCh38, 1-based): chr2:202,519,042, A>C. VCF-style: chr2-202519042-A-C. GRCh37 (hg19) VCF-style: chr2-203383765-A-C.
Other names: short protein forms Y281S.
Identifiers: ClinVar variation 3992135 (VCV003992135.1).

ClinVar aggregate classification (germline): Uncertain significance (1 of 4 stars; one submission).

Conditions:
Inborn genetic diseases. Identifiers: MedGen C0950123, MeSH D030342.

Submission:

Ambry Genetics
Classification: Uncertain significance for Inborn genetic diseases. Last evaluated: 2025-04-25. Review status: criteria provided, single submitter. Criteria: Ambry Variant Classification Scheme 2023. Collection method: clinical testing. Allele origin: germline.
Comment: The p.Y281S variant (also known as c.842A>C), located in coding exon 6 of the BMPR2 gene, results from an A to C substitution at nucleotide position 842. The tyrosine at codon 281 is replaced by serine, an amino acid with dissimilar properties. This amino acid position is conserved. In addition, this alteration is predicted to be deleterious by in silico analysis. Based on the available evidence, the clinical significance of this variant remains unclear.